The following is an entry in ClinVar:

NM_031220.4(PITPNM3):c.238G>A (p.Ala80Thr)

Gene: PITPNM3 (PITPNM family member 3; minus strand). Cytogenetic location: 17p13.1.
Variant type: single nucleotide variant.
Coding change: c.238G>A on transcript NM_031220.4 (MANE Select); coding-DNA position 238, G replaced by A.
Protein change: p.Ala80Thr; replaces alanine 80 with threonine.
Molecular consequence: missense variant.
Genome position (GRCh38, 1-based): chr17:6,503,563, C>T on the plus strand (G>A on the coding strand, the complement: PITPNM3 is on the minus strand). VCF-style: chr17-6503563-C-T. GRCh37 (hg19) VCF-style: chr17-6406883-C-T.
Other names: c.130G>A, p.Ala44Thr (NM_001165966.2); short protein forms A80T, A44T.
Identifiers: ClinVar variation 261945 (VCV000261945.18), dbSNP rs3809835, ClinGen allele CA8329903.
Genomic context (GRCh38, chr17:6,503,563, plus strand): 5'-CCCACAGGGTCAGGCTTGACTCACGCTGCTTCTCCTGGAGGATGCTGGATGTGCACGGCG[C>T]GGTCCCTTCTCCTGCAGAAAAAGAAAAGAAACATGAGCAGATCCTTGACACTGTTGCCAG-3'
Protein context (NP_112497.2, residues 70-90): KLDEHQGEGT[Ala80Thr]PCTSSILQEK

ClinVar aggregate classification (germline): Benign. Review status: criteria provided, multiple submitters, no conflicts (2 of 4 stars). 6 submissions from 6 submitters: Benign (6). Last evaluated 2026-02-04.

Conditions:
Cone-rod dystrophy 5 (CORD5). Identifiers: Orphanet 1872, MedGen C1832976, MONDO:0010969, OMIM 600977.

Allele frequency attached by ClinVar (database versions not stated): ExAC 0.28587; gnomAD 0.30425 and 0.30670; gnomAD exomes 0.31016 and 0.28257; ESP Exome Variant Server 0.31632; 1000 Genomes Project 0.27356; TOPMed 0.29850; 1000 Genomes Project 30x 0.27530.

Submissions (6):

Labcorp Genetics (formerly Invitae), Labcorp
Classification: Benign. Last evaluated: 2026-02-04. Review status: criteria provided, single submitter. Criteria: Invitae Variant Classification Sherloc (09022015). Collection method: clinical testing. Allele origin: germline.

Genome-Nilou Lab
Classification: Benign for Cone-rod dystrophy 5. Last evaluated: 2021-09-05. Review status: criteria provided, single submitter. Criteria: ACMG Guidelines, 2015. Collection method: clinical testing. Allele origin: germline. Affected: no.

GeneDx
Classification: Benign. Last evaluated: 2018-04-26. Review status: criteria provided, single submitter. Criteria: GeneDx Variant Classification (06012015). Collection method: clinical testing. Allele origin: germline. Affected: yes.
Comment: This variant is considered likely benign or benign based on one or more of the following criteria: it is a conservative change, it occurs at a poorly conserved position in the protein, it is predicted to be benign by multiple in silico algorithms, and/or has population frequency not consistent with disease.

Illumina Laboratory Services, Illumina
Classification: Benign for Cone-rod dystrophy 5. Last evaluated: 2018-01-13. Review status: criteria provided, single submitter. Criteria: ICSL Variant Classification Criteria 13 December 2019. Collection method: clinical testing. Allele origin: germline.
Comment: This variant was observed in the ICSL laboratory as part of a predisposition screen in an ostensibly healthy population. It had not been previously curated by ICSL or reported in the Human Gene Mutation Database (HGMD: prior to June 1st, 2018), and was therefore a candidate for classification through an automated scoring system. Utilizing variant allele frequency, disease prevalence and penetrance estimates, and inheritance mode, an automated score was calculated to assess if this variant is too frequent to cause the disease. Based on the score and internal cut-off values, a variant classified as benign is not then subjected to further curation. The score for this variant resulted in a classification of benign for this disease.

Breakthrough Genomics
Classification: Benign. Review status: criteria provided, single submitter. Criteria: ACMG Guidelines, 2015. Collection method: not provided. Allele origin: germline. Inheritance: Autosomal dominant inheritance. Affected: yes.

PreventionGenetics, part of Exact Sciences
Classification: Benign. Review status: criteria provided, single submitter. Criteria: ACMG Guidelines, 2015. Collection method: clinical testing. Allele origin: germline.